The following is an entry in ClinVar:

NM_000217.3(KCNA1):c.*5191G>A

Gene: KCNA1 (potassium voltage-gated channel subfamily A member 1; plus strand). Cytogenetic location: 12p13.32.
Variant type: single nucleotide variant.
Coding change: c.*5191G>A on transcript NM_000217.3 (MANE Select); 5191 bases downstream of the stop codon, G replaced by A.
Molecular consequence: 3 prime UTR variant.
Genome position (GRCh38, 1-based): chr12:4,918,057, G>A. VCF-style: chr12-4918057-G-A. GRCh37 (hg19) VCF-style: chr12-5027223-G-A.
Identifiers: ClinVar variation 309225 (VCV000309225.30), dbSNP rs575078827, ClinGen allele CA10633008.

ClinVar aggregate classification (germline): Benign. Review status: criteria provided, multiple submitters, no conflicts (2 of 4 stars). 2 submissions from 2 submitters: Benign (2). Last evaluated 2022-07-01.

Conditions:
Episodic ataxia type 1 (EA1). Also called: Episodic ataxia/myokymia syndrome; MYOKYMIA WITH PERIODIC ATAXIA; PAROXYSMAL ATAXIA WITH NEUROMYOTONIA, HEREDITARY; ATAXIA, EPISODIC, WITH MYOKYMIA. Identifiers: Orphanet 37612, Orphanet 972, MedGen C1719788, MONDO:0008047, OMIM 160120.

Allele frequency attached by ClinVar (database versions not stated): gnomAD 0.00002 and 0.00046; TOPMed 0.00010; 1000 Genomes Project 30x 0.00281; 1000 Genomes Project 0.00359.

Submissions (2):

CeGaT Center for Human Genetics Tuebingen
Classification: Benign. Last evaluated: 2022-07-01. Review status: criteria provided, single submitter. Criteria: CeGaT Center For Human Genetics Tuebingen Variant Classification Criteria Version 2. Collection method: clinical testing. Allele origin: germline. Affected: yes. Observed: 1 variant allele.
Comment: KCNA1: BS1, BS2

Illumina Laboratory Services, Illumina
Classification: Benign for Episodic ataxia type 1. Last evaluated: 2018-01-13. Review status: criteria provided, single submitter. Criteria: ICSL Variant Classification Criteria 13 December 2019. Collection method: clinical testing. Allele origin: germline.
Comment: This variant was observed in the ICSL laboratory as part of a predisposition screen in an ostensibly healthy population. It had not been previously curated by ICSL or reported in the Human Gene Mutation Database (HGMD: prior to June 1st, 2018), and was therefore a candidate for classification through an automated scoring system. Utilizing variant allele frequency, disease prevalence and penetrance estimates, and inheritance mode, an automated score was calculated to assess if this variant is too frequent to cause the disease. Based on the score and internal cut-off values, a variant classified as benign is not then subjected to further curation. The score for this variant resulted in a classification of benign for this disease.